The following is an entry in ClinVar:

NM_014844.5(TECPR2):c.3641-118A>G

Gene: TECPR2 (tectonin beta-propeller repeat containing 2; plus strand). Cytogenetic location: 14q32.31.
Variant type: single nucleotide variant.
Coding change: c.3641-118A>G on transcript NM_014844.5 (MANE Select); 118 bases into the intron before coding-DNA position 3641, A replaced by G.
Molecular consequence: intron variant.
Genome position (GRCh38, 1-based): chr14:102,465,023, A>G. VCF-style: chr14-102465023-A-G. GRCh37 (hg19) VCF-style: chr14-102931360-A-G.
Other names: c.3641-118A>G (NM_001172631.3).
Identifiers: ClinVar variation 672803 (VCV000672803.2), dbSNP rs2277467, ClinGen allele CA267080352.

ClinVar aggregate classification (germline): Benign. Review status: criteria provided, multiple submitters, no conflicts (2 of 4 stars). 2 submissions from 2 submitters: Benign (2). Last evaluated 2018-06-14.

Allele frequency attached by ClinVar (database versions not stated): gnomAD exomes 0.03343; gnomAD 0.04140; 1000 Genomes Project 30x 0.04279; 1000 Genomes Project 0.04313; TOPMed 0.04330.
gnomAD v4.1: 44,224 of 1,281,502 alleles (3.5%); highest among the groups gnomAD compares: African/African-American, 5.6%; 906 homozygotes.

Submissions (2):

GeneDx
Classification: Benign. Last evaluated: 2018-06-14. Review status: criteria provided, single submitter. Criteria: GeneDx Variant Classification (06012015). Collection method: clinical testing. Allele origin: germline. Affected: yes.
Comment: This variant is considered likely benign or benign based on one or more of the following criteria: it is a conservative change, it occurs at a poorly conserved position in the protein, it is predicted to be benign by multiple in silico algorithms, and/or has population frequency not consistent with disease.

Breakthrough Genomics
Classification: Benign. Review status: criteria provided, single submitter. Criteria: ACMG Guidelines, 2015. Collection method: not provided. Allele origin: germline. Inheritance: Autosomal recessive inheritance. Affected: yes.